The following is an entry in ClinVar:

ClinVar aggregate classification (germline): Uncertain significance (1 of 4 stars; one submission).

Conditions:
Autosomal recessive limb-girdle muscular dystrophy type 2E (LGMDR4). Also called: MUSCULAR DYSTROPHY, LIMB-GIRDLE, AUTOSOMAL RECESSIVE 4. Identifiers: Orphanet 119, MedGen C1858593, MONDO:0011423, OMIM 604286. Disease mechanism: Affects gamma-sarcoglycan and also disrupts the integrity of the entire sarcoglycan complex..

Allele frequency attached by ClinVar (database versions not stated): gnomAD exomes below 0.00001; ExAC 0.00001; gnomAD 0.00001; TOPMed 0.00001.
gnomAD v4.1: 4 of 1,613,356 alleles (0.00025%); highest among the groups gnomAD compares: Admixed American, 0.0067%; no homozygotes.

Submission:

Labcorp Genetics (formerly Invitae), Labcorp
Classification: Uncertain significance for Autosomal recessive limb-girdle muscular dystrophy type 2E. Last evaluated: 2022-07-12. Review status: criteria provided, single submitter. Criteria: Invitae Variant Classification Sherloc (09022015). Collection method: clinical testing. Allele origin: germline.
Comment: This sequence change replaces isoleucine, which is neutral and non-polar, with valine, which is neutral and non-polar, at codon 255 of the SGCB protein (p.Ile255Val). This variant is present in population databases (rs569029693, gnomAD 0.003%). This variant has not been reported in the literature in individuals affected with SGCB-related conditions. ClinVar contains an entry for this variant (Variation ID: 1347074). Algorithms developed to predict the effect of missense changes on protein structure and function are either unavailable or do not agree on the potential impact of this missense change (SIFT: "Deleterious"; PolyPhen-2: "Benign"; Align-GVGD: "Class C25"). In summary, the available evidence is currently insufficient to determine the role of this variant in disease. Therefore, it has been classified as a Variant of Uncertain Significance.

NM_000232.5(SGCB):c.763A>G (p.Ile255Val)

Gene: SGCB (sarcoglycan beta; minus strand). Cytogenetic location: 4q12.
Variant type: single nucleotide variant.
Coding change: c.763A>G on transcript NM_000232.5 (MANE Select); coding-DNA position 763, A replaced by G.
Protein change: p.Ile255Val; replaces isoleucine 255 with valine.
Molecular consequence: missense variant.
Genome position (GRCh38, 1-based): chr4:52,024,151, T>C on the plus strand (A>G on the coding strand, the complement: SGCB is on the minus strand). VCF-style: chr4-52024151-T-C. GRCh37 (hg19) VCF-style: chr4-52890317-T-C.
Other names: short protein forms I255V.
Identifiers: ClinVar variation 1347074 (VCV001347074.5), dbSNP rs569029693, ClinGen allele CA2918283.